The following is an entry in ClinVar:

ClinVar aggregate classification (germline): Uncertain significance (1 of 4 stars; one submission).

Submission:

Ambry Genetics
Classification: Uncertain significance. Last evaluated: 2026-07-05. Review status: criteria provided, single submitter. Criteria: Ambry Variant Classification Scheme 2023. Collection method: clinical testing. Allele origin: germline.
Comment: The p.K721N variant (also known as c.2163A>T), located in coding exon 4 of the CDK12 gene, results from an A to T substitution at nucleotide position 2163. The lysine at codon 721 is replaced by asparagine, an amino acid with similar properties. This amino acid position is conserved. In addition, this alteration is predicted to be tolerated by in silico analysis. Based on the available evidence, the clinical significance of this variant remains unclear.

NM_016507.4(CDK12):c.2163A>T (p.Lys721Asn)

Gene: CDK12 (cyclin dependent kinase 12; plus strand). Cytogenetic location: 17q12.
Variant type: single nucleotide variant.
Coding change: c.2163A>T on transcript NM_016507.4 (MANE Select); coding-DNA position 2163, A replaced by T.
Protein change: p.Lys721Asn; replaces lysine 721 with asparagine.
Molecular consequence: missense variant.
Genome position (GRCh38, 1-based): chr17:39,492,805, A>T. VCF-style: chr17-39492805-A-T. GRCh37 (hg19) VCF-style: chr17-37649058-A-T.
Other names: c.2163A>T, p.Lys721Asn (NM_015083.4); short protein forms K721N.
Identifiers: ClinVar variation 5034076 (VCV005034076.1).